The following is an entry in ClinVar:

NM_014908.4(DOLK):c.1348G>A (p.Gly450Ser)

Gene: DOLK (dolichol kinase; minus strand). Cytogenetic location: 9q34.11.
Variant type: single nucleotide variant.
Coding change: c.1348G>A on transcript NM_014908.4 (MANE Select); coding-DNA position 1348, G replaced by A.
Protein change: p.Gly450Ser; replaces glycine 450 with serine.
Molecular consequence: missense variant.
Genome position (GRCh38, 1-based): chr9:128,945,956, C>T on the plus strand (G>A on the coding strand, the complement: DOLK is on the minus strand). VCF-style: chr9-128945956-C-T. GRCh37 (hg19) VCF-style: chr9-131708235-C-T.
Other names: short protein forms G450S.
Identifiers: ClinVar variation 2009715 (VCV002009715.4), dbSNP rs2492002954, ClinGen allele CA375117416.

ClinVar aggregate classification (germline): Uncertain significance (1 of 4 stars; one submission).

Conditions:
DK1-congenital disorder of glycosylation. Also called: DK1-CDG; CONGENITAL DISORDER OF GLYCOSYLATION, TYPE Im; DOLK-congenital disorder of glycosylation; Carbohydrate deficient glycoprotein syndrome type 1m; CDG Im; DK1 DEFICIENCY. Identifiers: Orphanet 91131, MedGen C1835849, MONDO:0012556, OMIM 610768.

Submission:

Labcorp Genetics (formerly Invitae), Labcorp
Classification: Uncertain significance for DK1-congenital disorder of glycosylation. Last evaluated: 2025-02-03. Review status: criteria provided, single submitter. Criteria: Invitae Variant Classification Sherloc (09022015). Collection method: clinical testing. Allele origin: germline.
Comment: This sequence change replaces glycine, which is neutral and non-polar, with serine, which is neutral and polar, at codon 450 of the DOLK protein (p.Gly450Ser). This variant is not present in population databases (gnomAD no frequency). This variant has not been reported in the literature in individuals affected with DOLK-related conditions. ClinVar contains an entry for this variant (Variation ID: 2009715). Invitae Evidence Modeling of protein sequence and biophysical properties (such as structural, functional, and spatial information, amino acid conservation, physicochemical variation, residue mobility, and thermodynamic stability) indicates that this missense variant is expected to disrupt DOLK protein function with a positive predictive value of 80%. In summary, the available evidence is currently insufficient to determine the role of this variant in disease. Therefore, it has been classified as a Variant of Uncertain Significance.